The following is an entry in ClinVar:

ClinVar aggregate classification (germline): Pathogenic/Likely pathogenic. Review status: criteria provided, multiple submitters, no conflicts (2 of 4 stars). 19 submissions from 19 submitters: Pathogenic (13); Likely pathogenic (3). 3 of the submissions do not count toward it. Last evaluated 2026-01-14.

Conditions:
GALNS-related disorders.
Morquio syndrome. Also called: Eccentrochondrodysplasia; Mucopolysaccharidosis, Type IV; MPS IV; Mucopolysaccharidosis type 4. Identifiers: Orphanet 582, MedGen C0026707, MONDO:0018938.
Mucopolysaccharidosis, MPS-IV-A (MPS4A). Also called: GALACTOSAMINE-6-SULFATASE DEFICIENCY; GALNS DEFICIENCY; MORQUIO A DISEASE; Mucopolysaccharidosis Type IVA; MPS IVA; Mucopolysaccharidosis type IV A. Identifiers: Orphanet 309297, Orphanet 582, MedGen C0086651, MONDO:0009659, OMIM 253000.

Allele frequency attached by ClinVar (database versions not stated): gnomAD 0.00006; ExAC 0.00007; gnomAD exomes 0.00009 and 0.00003; TOPMed 0.00002.
gnomAD v4.1: 58 of 1,613,150 alleles (0.0036%); highest among the groups gnomAD compares: Admixed American, 0.042%; no homozygotes.

Submissions 1 to 10 of 19:

Labcorp Genetics (formerly Invitae), Labcorp
Classification: Pathogenic for Mucopolysaccharidosis, MPS-IV-A. Last evaluated: 2026-01-14. Review status: criteria provided, single submitter. Criteria: Invitae Variant Classification Sherloc (09022015). Collection method: clinical testing. Allele origin: germline.
Comment: This sequence change replaces arginine, which is basic and polar, with cysteine, which is neutral and slightly polar, at codon 386 of the GALNS protein (p.Arg386Cys). This variant is present in population databases (rs118204437, gnomAD 0.05%). This missense change has been observed in individuals with Morquio syndrome (PMID: 7795586, 9298823, 22976768, 23227063, 24726177, 26147980). ClinVar contains an entry for this variant (Variation ID: 700). Invitae Evidence Modeling of protein sequence and biophysical properties (such as structural, functional, and spatial information, amino acid conservation, physicochemical variation, residue mobility, and thermodynamic stability) indicates that this missense variant is expected to disrupt GALNS protein function with a positive predictive value of 95%. Experimental studies have shown that this missense change affects GALNS function (PMID: 7795586, 15309681). For these reasons, this variant has been classified as Pathogenic.

Variantyx, Inc.
Classification: Pathogenic for Mucopolysaccharidosis, MPS-IV-A. Last evaluated: 2025-11-05. Review status: criteria provided, single submitter. Criteria: Variantyx Assertion Criteria 2022. Collection method: clinical testing. Allele origin: germline. Inheritance: Autosomal recessive inheritance. Affected: no.
Comment: This is a nonsynonymous variant in the GALNS gene (OMIM: 612222). Pathogenic variants in this gene have been associated with autosomal recessive mucopolysaccharidosis type IVA. This variant has been identified in the homozygous or compound heterozygous state in at least 5 individuals reported in the published literature (PMID: 7795586, 9298823, 22976768, 23227063, 24726177) (PM3_Strong). Functional studies have shown that this variant alters GALNS protein function (PMID: 7795586, 15309681) (PS3_Moderate), and multiple computational algorithms predict a deleterious effect for this variant (REVEL score: 0.782) (PP3). Moreover, the variant lies within a known hotspot for pathogenic variants or a well-established critical functional domain of the GALNS protein (PM1). This variant has a 0.0417% maximum allele frequency in non-founder control populations (PM2). Based on the current evidence, this variant is classified as pathogenic for autosomal recessive mucopolysaccharidosis type IVA.

Clinical Biomedical Laboratory, Shriners Hospital For Children - Canada
Classification: Likely pathogenic for Mucopolysaccharidosis, MPS-IV-A. Last evaluated: 2025-10-05. Review status: criteria provided, single submitter. Criteria: ACMG Guidelines, 2015. Collection method: clinical testing. Allele origin: germline. Affected: yes.
Comment: This variant is predicted to substitute an arginine residue by a cysteine residue in GALNS. In the Genome Aggregation Database (gnomAD v2.1.1) this variant is very rare. Computational tools (REVEL: 0.782) suggest that the amino acid change is damaging to protein function. The affected nucleotide is conserved in evolution (PhyloP100 = 6.73, highly conserved). This variant has been published as a cause of Morquio syndrome in more than 10 publications (e.g. PMID 34542925).

Revvity Omics, Revvity
Classification: Pathogenic for Mucopolysaccharidosis, MPS-IV-A. Last evaluated: 2025-04-07. Review status: criteria provided, single submitter. Criteria: ACMG Guidelines, 2015. Collection method: clinical testing. Allele origin: germline.

Women's Health and Genetics/Laboratory Corporation of America, LabCorp
Classification: Pathogenic for Morquio syndrome. Last evaluated: 2025-03-05. Review status: criteria provided, single submitter. Criteria: LabCorp Variant Classification Summary - May 2015. Collection method: clinical testing. Allele origin: germline.
Comment: Variant summary: GALNS c.1156C>T (p.Arg386Cys) results in a non-conservative amino acid change in the encoded protein sequence. Three of three in-silico tools predict a damaging effect of the variant on protein function. The variant allele was found at a frequency of 9.2e-05 in 249270 control chromosomes. This frequency is not significantly higher than estimated for a pathogenic variant in GALNS causing Mucopolysaccharidosis Type IVA (Morquio Syndrome A) (9.2e-05 vs 0.002), allowing no conclusion about variant significance. c.1156C>T has been reported in the literature in multiple individuals affected with Mucopolysaccharidosis Type IVA (Morquio Syndrome A). These data indicate that the variant is very likely to be associated with disease. A different variant affecting the same codon has been classified as pathogenic by our lab (c.1157G>A, p.Arg386His), supporting the critical relevance of codon 386 to GALNS protein function. At least one publication reports experimental evidence evaluating an impact on protein function. The most pronounced variant effect results in <10% of normal activity. The following publications have been ascertained in the context of this evaluation (PMID: 22976768, 9401012, 8829629). ClinVar contains an entry for this variant (Variation ID: 700). Based on the evidence outlined above, the variant was classified as pathogenic.

Blueprint Genetics
Classification: Pathogenic for GALNS-related disorders. Last evaluated: 2024-09-30. Review status: criteria provided, single submitter. Criteria: ACMG Guidelines, 2015. Collection method: clinical testing. Allele origin: germline. Affected: yes. Observed: 3 variant alleles.

Fulgent Genetics
Classification: Pathogenic for Mucopolysaccharidosis, MPS-IV-A. Last evaluated: 2024-04-13. Review status: criteria provided, single submitter. Criteria: ACMG Guidelines, 2015. Collection method: clinical testing. Allele origin: germline.

Laboratory for Molecular Medicine, Mass General Brigham Personalized Medicine
Classification: Pathogenic for Morquio syndrome. Last evaluated: 2024-02-02. Review status: criteria provided, single submitter. Criteria: ACMG Guidelines, 2015. Collection method: clinical testing. Allele origin: germline. Inheritance: Autosomal recessive inheritance.
Comment: The p.Arg392Cys variant in GALNS has been reported in the homozygous or heterozygous state in >12 individuals (>4 homozygotes, >8 compound heterozygotes) with mucopolysaccharidosis type 4A (MPS 4A). At least 2 of these individuals underwent biochemical analyses that showed markedly reduced GALNS enzyme activity (Ogawa 1995 PMID: 7795586, Bunge 1997 PMID: 9298823, Lee 2012 PMID: 23227063, Pollard 2013 PMID: 22976768, Morrone 2014 PMID: 24726177, Jazela-Stanek 2019 PMID: 30927141, Fang 2022 PMID: 34813777). This variant segregated with disease in at least 2 affected relatives from 2 families (Jazela-Stanek 2019 PMID: 30927141). This variant has also been reported by other clinical laboratories in ClinVar (Variation ID 700) and has been identified in 0.03% (4/15280) of Latino/Admixed American chromosomes by gnomAD (v3.1.2). This frequency is consistent with a recessive carrier frequency. In vitro functional studies provide some evidence that this variant reduces GALNS activity (Ogawa 1995 PMID: 7795586) and computational prediction tools and conservation analyses are consistent with pathogenicity. In summary, this variant meets criteria to be classified as pathogenic for autosomal recessive mucopolysaccharidosis type 4A. ACMG/AMP Criteria applied: PM3_VeryStrong, PP1_Moderate, PM2_Supporting, PP3, PS3_Supporting, PP4.

Neuberg Centre For Genomic Medicine, NCGM
Classification: Pathogenic for Mucopolysaccharidosis, MPS-IV-A. Last evaluated: 2024-02-01. Review status: criteria provided, single submitter. Criteria: ACMG Guidelines, 2015. Collection method: clinical testing. Allele origin: germline. Inheritance: Autosomal recessive inheritance. Affected: yes.
Comment: The missense c.1156C>T (p.Arg386Cys) variant in the GALNS gene has been observed in individuals with Morquio syndrome (Cozma et al., 2015). Experimental studies have shown that this missense change affects GALNS function (Tomatsu et al., 2004). This variant is reported with the allele frequency (0.008%) in the gnomAD Exomes. It is submitted to ClinVar as Likely Pathogenic/ Pathogenic (multiple submissions). Multiple lines of computational evidence (Polyphen - Damaging, SIFT - Damaging and MutationTaster - Disease causing) predict a damaging effect on protein structure and function for this variant. The amino acid Arginine at position 386 is changed to a Cystine changing protein sequence and it might alter its composition and physico-chemical properties. The amino acid Glycine in GALNS is predicted as conserved by GERP++ and PhyloP across 100 vertebrates. For these reasons, this variant has been classified as Pathogenic.

Huiwen Zhang's lab, Shanghai Jiao Tong University School of Medicine, Xinhua Hospital
Classification: Pathogenic for Mucopolysaccharidosis, MPS-IV-A. Last evaluated: 2022-02-23. Review status: criteria provided, single submitter. Criteria: ACMG Guidelines, 2015. Collection method: clinical testing. Allele origin: germline. Affected: yes.

NM_000512.5(GALNS):c.1156C>T (p.Arg386Cys)

Gene: GALNS (galactosamine (N-acetyl)-6-sulfatase; minus strand). Cytogenetic location: 16q24.3.
Variant type: single nucleotide variant.
Coding change: c.1156C>T on transcript NM_000512.5 (MANE Select); coding-DNA position 1156, C replaced by T.
Protein change: p.Arg386Cys; replaces arginine 386 with cysteine.
Molecular consequence: missense variant.
Genome position (GRCh38, 1-based): chr16:88,824,853, G>A on the plus strand (C>T on the coding strand, the complement: GALNS is on the minus strand). VCF-style: chr16-88824853-G-A. GRCh37 (hg19) VCF-style: chr16-88891261-G-A.
Other names: c.601C>T, p.Arg201Cys (NM_001323543.2); c.1174C>T, p.Arg392Cys (NM_001323544.2); short protein forms R386C, R392C, R201C.
Identifiers: ClinVar variation 700 (VCV000000700.40), dbSNP rs118204437, ClinGen allele CA221040.
Genomic context (GRCh38, chr16:88,824,853, plus strand): 5'-TCCAGGTCCAGAAGTGAGCCTTGTGCTGCCCGAGGGTGGCCGCCATCAGCGTGTCGCCAC[G>A]GTAATAGAAGATAGGCCTGTGGGATGGGAGGGGAGGACCATGTAATGACAGGAAGGACAC-3'
Protein context (NP_000503.1, residues 376-396): RLMDRPIFYY[Arg386Cys]GDTLMAATLG